The following is an entry in ClinVar:

NM_000059.4(BRCA2):c.5471del (p.Asn1824fs)

Gene: BRCA2 (BRCA2 DNA repair associated; plus strand). Cytogenetic location: 13q13.1.
Variant type: Deletion.
Coding change: c.5471del on transcript NM_000059.4 (MANE Select); coding-DNA position 5471, one base deleted (A; older notation c.5471delA).
Protein change: p.Asn1824fs; shifts the reading frame from asparagine 1824.
Molecular consequence: frameshift variant.
Genome position (GRCh38, 1-based): chr13:32,339,826, A deleted; the last of 5 consecutive A bases (chr13:32,339,822-32,339,826); deleting any one gives the same sequence. VCF-style (leftmost placement, unchanged base first): chr13-32339821-TA-T. GRCh37 (hg19) VCF-style: chr13-32913958-TA-T.
Other names: 5699delA; c.5471delA (NM_000059.3).
Identifiers: ClinVar variation 51869 (VCV000051869.7), dbSNP rs80359515, ClinGen allele CA022402.
Genomic context (GRCh38, chr13:32,339,821, plus strand): 5'-AACTGTAAATGAAGATATTTGCGTTGAGGAACTTGTGACTAGCTCTTCACCCTGCAAAAA[TA>T]AAAATGCAGCCATTAAATTGTCCATATCTAATAGTAATAATTTTGAGGTAGGGCCACCTG-3'

ClinVar aggregate classification (germline): Pathogenic. Review status: reviewed by expert panel (3 of 4 stars). 2 submissions from 2 submitters: Pathogenic (1). 1 of the submissions does not count toward it. Last evaluated 2016-10-18.

Conditions:
Breast-ovarian cancer, familial, susceptibility to, 2 (BROVCA2). Also called: BRCA2 Hereditary Breast and Ovarian Cancer. Identifiers: Orphanet 145, MedGen C2675520, MONDO:0012933, OMIM 612555. Disease mechanism: loss of function.

Submissions (2):

Evidence-based Network for the Interpretation of Germline Mutant Alleles (ENIGMA)
Classification: Pathogenic for Breast-ovarian cancer, familial, susceptibility to, 2. Last evaluated: 2016-10-18. Review status: reviewed by expert panel. Criteria: ENIGMA BRCA1/2 Classification Criteria (2015). Collection method: curation. Allele origin: germline.
Comment: Variant allele predicted to encode a truncated non-functional protein.

Consortium of Investigators of Modifiers of BRCA1/2 (CIMBA), c/o University of Cambridge
Classification: Pathogenic for Breast-ovarian cancer, familial, susceptibility to, 2. Last evaluated: 2015-10-02. Review status: criteria provided, single submitter. Criteria: CIMBA Mutation Classification guidelines May 2016. Collection method: clinical testing. Allele origin: germline. Not counted in ClinVar's aggregate classification.